The following is an entry in ClinVar:

NM_014639.4(SKIC3):c.1784C>T (p.Pro595Leu)

Gene: SKIC3 (SKI3 subunit of superkiller complex; minus strand). Cytogenetic location: 5q15.
Variant type: single nucleotide variant.
Coding change: c.1784C>T on transcript NM_014639.4 (MANE Select); coding-DNA position 1784, C replaced by T.
Protein change: p.Pro595Leu; replaces proline 595 with leucine.
Molecular consequence: missense variant.
Genome position (GRCh38, 1-based): chr5:95,522,281, G>A on the plus strand (C>T on the coding strand, the complement: SKIC3 is on the minus strand). VCF-style: chr5-95522281-G-A. GRCh37 (hg19) VCF-style: chr5-94857985-G-A.
Other names: c.1784C>T (NM_014639.3); short protein forms P595L.
Identifiers: ClinVar variation 1437928 (VCV001437928.9), dbSNP rs2112331668, ClinGen allele CA360463493.
Genomic context (GRCh38, chr5:95,522,281, plus strand): 5'-GTGTAGCCTCCTCTGCTTAAGTATGCTTCTCCTAACGATTCCCAACAATTGAAGTCCTTT[G>A]GGTCTGCTCTTAATGCTGCCTGTAAACTAAAATTTAAAAAACCGTAAGAGAACTAAAAGT-3'
Protein context (NP_055454.1, residues 585-605): ADLQAALRAD[Pro595Leu]KDFNCWESLG

ClinVar aggregate classification (germline): Uncertain significance. Review status: criteria provided, multiple submitters, no conflicts (2 of 4 stars). 2 submissions from 2 submitters: Uncertain significance (2). Last evaluated 2025-11-20.

Conditions:
Inborn genetic diseases. Identifiers: MedGen C0950123, MeSH D030342.

Submissions (2):

Ambry Genetics
Classification: Uncertain significance for Inborn genetic diseases. Last evaluated: 2025-11-20. Review status: criteria provided, single submitter. Criteria: Ambry Variant Classification Scheme 2023. Collection method: clinical testing. Allele origin: germline.

Labcorp Genetics (formerly Invitae), Labcorp
Classification: Uncertain significance. Last evaluated: 2022-08-16. Review status: criteria provided, single submitter. Criteria: Invitae Variant Classification Sherloc (09022015). Collection method: clinical testing. Allele origin: germline.
Comment: In summary, the available evidence is currently insufficient to determine the role of this variant in disease. Therefore, it has been classified as a Variant of Uncertain Significance. Algorithms developed to predict the effect of missense changes on protein structure and function are either unavailable or do not agree on the potential impact of this missense change (SIFT: "Deleterious"; PolyPhen-2: "Probably Damaging"; Align-GVGD: "Class C0"). ClinVar contains an entry for this variant (Variation ID: 1437928). This variant has not been reported in the literature in individuals affected with TTC37-related conditions. This variant is not present in population databases (gnomAD no frequency). This sequence change replaces proline, which is neutral and non-polar, with leucine, which is neutral and non-polar, at codon 595 of the TTC37 protein (p.Pro595Leu).